The following is an entry in ClinVar:

NM_000236.3(LIPC):c.440T>C (p.Leu147Pro)

Gene: LIPC (lipase C, hepatic type; plus strand). Cytogenetic location: 15q21.3.
Variant type: single nucleotide variant.
Coding change: c.440T>C on transcript NM_000236.3 (MANE Select); coding-DNA position 440, T replaced by C.
Protein change: p.Leu147Pro; replaces leucine 147 with proline.
Molecular consequence: missense variant.
Genome position (GRCh38, 1-based): chr15:58,541,951, T>C. VCF-style: chr15-58541951-T-C. GRCh37 (hg19) VCF-style: chr15-58834150-T-C.
Other names: short protein forms L147P.
Identifiers: ClinVar variation 3614658 (VCV003614658.2).

ClinVar aggregate classification (germline): Uncertain significance (1 of 4 stars; one submission).

gnomAD v4.1: 1 of 1,610,114 alleles (0.000062%); highest among the groups gnomAD compares: Non-Finnish European, 0.000085%; no homozygotes.

Submission:

Labcorp Genetics (formerly Invitae), Labcorp
Classification: Uncertain significance. Last evaluated: 2024-10-06. Review status: criteria provided, single submitter. Criteria: Invitae Variant Classification Sherloc (09022015). Collection method: clinical testing. Allele origin: germline.
Comment: This sequence change replaces leucine, which is neutral and non-polar, with proline, which is neutral and non-polar, at codon 147 of the LIPC protein (p.Leu147Pro). This variant is not present in population databases (gnomAD no frequency). This variant has not been reported in the literature in individuals affected with LIPC-related conditions. Invitae Evidence Modeling of protein sequence and biophysical properties (such as structural, functional, and spatial information, amino acid conservation, physicochemical variation, residue mobility, and thermodynamic stability) indicates that this missense variant is expected to disrupt LIPC protein function with a positive predictive value of 80%. In summary, the available evidence is currently insufficient to determine the role of this variant in disease. Therefore, it has been classified as a Variant of Uncertain Significance.